The following is an entry in ClinVar:

NM_020163.3(SEMA3G):c.1890C>T (p.Asp630=)

Gene: SEMA3G (semaphorin 3G; minus strand). Cytogenetic location: 3p21.1.
Variant type: single nucleotide variant.
Coding change: c.1890C>T on transcript NM_020163.3 (MANE Select); coding-DNA position 1890, C replaced by T.
Protein change: p.Asp630=; no amino-acid change (aspartic acid 630 retained).
Molecular consequence: synonymous variant.
Genome position (GRCh38, 1-based): chr3:52,436,062, G>A on the plus strand (C>T on the coding strand, the complement: SEMA3G is on the minus strand). VCF-style: chr3-52436062-G-A. GRCh37 (hg19) VCF-style: chr3-52470078-G-A.
Identifiers: ClinVar variation 3030140 (VCV003030140.2), dbSNP rs200816034, ClinGen allele CA2437776.
Genomic context (GRCh38, chr3:52,436,062, plus strand): 5'-CGCATCGAAACGGCTAAGCCTGCGGAACAGCAGCCCCCGCTCCGTGTGCAAGACTCGCTC[G>A]TCCGTCTTCACCTGCCATGCGGGCGGGAGGGCGTGAGTAGGGTGCAAGGTGGGAGTTTAC-3'
Protein context (NP_064548.1, residues 620-640): GDEGPDQVKT[Asp630=]ERVLHTERGL

ClinVar aggregate classification (germline): Likely benign (0 of 4 stars; one submission).

Conditions:
SEMA3G-related disorder. Also called: SEMA3G-related condition.

Allele frequency attached by ClinVar (database versions not stated): gnomAD exomes 0.00002; gnomAD 0.00006; ExAC 0.00009; TOPMed 0.00013; 1000 Genomes Project 0.00060; 1000 Genomes Project 30x 0.00062.
gnomAD v4.1: 40 of 1,608,474 alleles (0.0025%); highest among the groups gnomAD compares: Admixed American, 0.038%; no homozygotes.

Submission:

PreventionGenetics, part of Exact Sciences
Classification: Likely benign for SEMA3G-related condition. Last evaluated: 2022-05-26. Review status: no assertion criteria provided. Collection method: clinical testing. Allele origin: germline.
Comment: This variant is classified as likely benign based on ACMG/AMP sequence variant interpretation guidelines (Richards et al. 2015 PMID: 25741868, with internal and published modifications).